The following is an entry in ClinVar:

ClinVar aggregate classification (germline): Uncertain significance (1 of 4 stars; one submission).

Conditions:
Cardiovascular phenotype. Identifiers: MedGen CN230736.

Allele frequency attached by ClinVar (database versions not stated): gnomAD exomes 0.00001; ExAC 0.00004; ESP Exome Variant Server 0.00013; 1000 Genomes Project 30x 0.00031; 1000 Genomes Project 0.00040.
gnomAD v4.1: 21 of 1,612,116 alleles (0.0013%); highest among the groups gnomAD compares: African/African-American, 0.0027%; no homozygotes.

Submission:

Ambry Genetics
Classification: Uncertain significance for Cardiovascular phenotype. Last evaluated: 2023-02-11. Review status: criteria provided, single submitter. Criteria: Ambry Variant Classification Scheme 2023. Collection method: clinical testing. Allele origin: germline.
Comment: The p.R2379H variant (also known as c.7136G>A), located in coding exon 19 of the TNXB gene, results from a G to A substitution at nucleotide position 7136. The arginine at codon 2379 is replaced by histidine, an amino acid with highly similar properties. This amino acid position is highly conserved in available vertebrate species. In addition, this alteration is predicted to be tolerated by in silico analysis. Since supporting evidence is limited at this time, the clinical significance of this alteration remains unclear.

NM_001365276.2(TNXB):c.7136G>A (p.Arg2379His)

Gene: TNXB (tenascin XB; minus strand). Cytogenetic location: 6p21.33.
Variant type: single nucleotide variant.
Coding change: c.7136G>A on transcript NM_001365276.2 (MANE Select); coding-DNA position 7136, G replaced by A.
Protein change: p.Arg2379His; replaces arginine 2379 with histidine.
Molecular consequence: missense variant.
Genome position (GRCh38, 1-based): chr6:32,062,189, C>T on the plus strand (G>A on the coding strand, the complement: TNXB is on the minus strand). VCF-style: chr6-32062189-C-T. GRCh37 (hg19) VCF-style: chr6-32029966-C-T.
Other names: c.7136G>A, p.Arg2379His (NM_019105.8); short protein forms R2379H.
Identifiers: ClinVar variation 2451169 (VCV002451169.2), dbSNP rs151142594, ClinGen allele CA3734250.